The following is an entry in ClinVar:

ClinVar aggregate classification (germline): Uncertain significance (1 of 4 stars; one submission).

gnomAD v4.1: 2 of 1,614,186 alleles (0.00012%); highest among the groups gnomAD compares: East Asian, 0.0022%; no homozygotes.

Submission:

Laboratory for Molecular Medicine, Mass General Brigham Personalized Medicine
Classification: Uncertain significance. Last evaluated: 2017-06-20. Review status: criteria provided, single submitter. Criteria: LMM Criteria. Collection method: clinical testing. Allele origin: germline. Observed: 1 variant allele.
Comment: The p.Thr279Arg variant in POU4F3 has not been previously reported in individual s with hearing loss and was absent from large population studies. Computational prediction tools and conservation analysis suggest that the p.Thr279Arg variant may impact the protein, though this information is not predictive enough to dete rmine pathogenicity. In summary, the clinical significance of the p.Thr279Arg va riant is uncertain.

NM_002700.3(POU4F3):c.836C>G (p.Thr279Arg)

Genes: POU4F3 (POU class 4 homeobox 3; plus strand), LOC127814297 (RBM27-POU4F3; plus strand). Cytogenetic location: 5q32.
Variant type: single nucleotide variant.
Coding change: c.836C>G on transcript NM_002700.3 (MANE Select); coding-DNA position 836, C replaced by G.
Protein change: p.Thr279Arg; replaces threonine 279 with arginine.
Molecular consequence: missense variant.
Genome position (GRCh38, 1-based): chr5:146,340,263, C>G. VCF-style: chr5-146340263-C-G. GRCh37 (hg19) VCF-style: chr5-145719826-C-G.
Other names: short protein forms T279R.
Identifiers: ClinVar variation 517410 (VCV000517410.5), dbSNP rs762710510, ClinGen allele CA361622666.